The following is an entry in ClinVar:

ClinVar aggregate classification (germline): Pathogenic/Likely pathogenic. Review status: criteria provided, multiple submitters, no conflicts (2 of 4 stars). 6 submissions from 6 submitters: Pathogenic (4); Likely pathogenic (2). Last evaluated 2025-08-25.

Conditions:
Ceroid lipofuscinosis, neuronal, 6A. Also called: Neuronal ceroid lipofuscinosis, late infantile, variant; Neuronal ceroid lipofuscinosis, Gypsy/Indian early juvenile variant; Neuronal ceroid lipofuscinosis 6; CLN6-Related Neuronal Ceroid-Lipofuscinosis. Identifiers: Orphanet 168491, Orphanet 228363, MedGen C5551375, MONDO:0011144, OMIM 601780.
Ceroid lipofuscinosis, neuronal, 6B (Kufs type). Also called: Neuronal ceroid lipofuscinosis 4A. Identifiers: Orphanet 700477, MedGen C5561927, MONDO:0008768, OMIM 204300.
Neuronal ceroid lipofuscinosis. Also called: Neuronal Ceroid Lipofuscinoses. Identifiers: Orphanet 216, Orphanet 79263, MedGen C0027877, MONDO:0016295. Disease mechanism: loss of function.

Allele frequency attached by ClinVar (database versions not stated): ExAC 0.00001; gnomAD exomes 0.00001.
gnomAD v4.1: 7 of 1,614,180 alleles (0.00043%); highest among the groups gnomAD compares: South Asian, 0.0066%; no homozygotes.

Submissions (6):

Natera, Inc.
Classification: Pathogenic for Ceroid lipofuscinosis, neuronal, 6A. Last evaluated: 2025-08-25. Review status: criteria provided, single submitter. Criteria: Natera Variant Classification Schema (03/2026). Collection method: clinical testing. Allele origin: germline.
Comment: The c.768C>G variant in CLN6 is a missense variant predicted to cause substitution of aspartic acid to glutamic acid at amino acid 256. This variant is rare in the general population with a frequency below the threshold expected for the associated phenotype(s). This variant has been observed in one or more individuals affected with the associated recessive disease, as either homozygous or compound heterozygous with a second variant (PMID: 24102492). Additionally, this variant has been observed to segregate in affected family members (PMID: 22883287, 38382230). Computational prediction algorithms indicate this variant is likely to affect gene or protein function. Given the available evidence, this variant is classified as Pathogenic.

Department of Clinical Genetics, Copenhagen University Hospital, Rigshospitalet
Classification: Likely pathogenic for Ceroid lipofuscinosis, neuronal, 6A. Last evaluated: 2025-04-24. Review status: criteria provided, single submitter. Criteria: ACMG Guidelines, 2015. Collection method: clinical testing. Allele origin: germline.
Comment: PP1_Str, PP3_M, PM2_Sup

Labcorp Genetics (formerly Invitae), Labcorp
Classification: Pathogenic for Neuronal ceroid lipofuscinosis. Last evaluated: 2025-04-07. Review status: criteria provided, single submitter. Criteria: Invitae Variant Classification Sherloc (09022015). Collection method: clinical testing. Allele origin: germline.
Comment: This sequence change replaces aspartic acid, which is acidic and polar, with glutamic acid, which is acidic and polar, at codon 256 of the CLN6 protein (p.Asp256Glu). This variant is present in population databases (rs760271120, gnomAD 0.006%). This missense change has been observed in individual(s) with clinical features of neuronal ceroid lipofuscinosis (PMID: 22883287, 24102492). In at least one individual the data is consistent with being in trans (on the opposite chromosome) from a pathogenic variant. It has also been observed to segregate with disease in related individuals. ClinVar contains an entry for this variant (Variation ID: 1072427). Invitae Evidence Modeling of protein sequence and biophysical properties (such as structural, functional, and spatial information, amino acid conservation, physicochemical variation, residue mobility, and thermodynamic stability) indicates that this missense variant is not expected to disrupt CLN6 protein function with a negative predictive value of 80%. For these reasons, this variant has been classified as Pathogenic.

Fulgent Genetics
Classification: Pathogenic for Ceroid lipofuscinosis, neuronal, 6B (Kufs type); Ceroid lipofuscinosis, neuronal, 6A. Last evaluated: 2024-05-29. Review status: criteria provided, single submitter. Criteria: ACMG Guidelines, 2015. Collection method: clinical testing. Allele origin: germline.

Women's Health and Genetics/Laboratory Corporation of America, LabCorp
Classification: Pathogenic for Neuronal ceroid lipofuscinosis. Last evaluated: 2024-05-28. Review status: criteria provided, single submitter. Criteria: LabCorp Variant Classification Summary - May 2015. Collection method: clinical testing. Allele origin: germline.
Comment: Variant summary: CLN6 c.768C>G (p.Asp256Glu) results in a conservative amino acid change in the encoded protein sequence. Four of five in-silico tools predict a damaging effect of the variant on protein function. The variant allele was found at a frequency of 1.2e-05 in 251280 control chromosomes (gnomAD). c.768C>G has been reported in the literature in multiple individuals affected with Neuronal Ceroid-Lipofuscinosis (Batten Disease) and this variant co-segregated with disease (Andrade_2012, Rus_2022). These data indicate that the variant is very likely to be associated with disease. To our knowledge, no experimental evidence demonstrating an impact on protein function has been reported. The following publications have been ascertained in the context of this evaluation (PMID: 22883287, 35505348). ClinVar contains an entry for this variant (Variation ID: 1072427). Based on the evidence outlined above, the variant was classified as pathogenic.

GeneDx
Classification: Likely pathogenic. Last evaluated: 2023-10-10. Review status: criteria provided, single submitter. Criteria: GeneDx Variant Classification Process June 2021. Collection method: clinical testing. Allele origin: germline. Affected: yes.
Comment: Not observed at significant frequency in large population cohorts (gnomAD); In silico analysis supports that this missense variant has a deleterious effect on protein structure/function; This variant is associated with the following publications: (PMID: 22883287, 24102492, 30561534, 3052888, 37802651, 35505348)

Literature cited by the submitters: PubMed 24102492 (cited by Natera, Inc. and Labcorp Genetics (formerly Invitae), Labcorp); PubMed 22883287 (cited by 3 submitters); PubMed 38382230 (cited by Natera, Inc.); PubMed 35505348 (cited by Women's Health and Genetics/Laboratory Corporation of America, LabCorp).

NM_017882.3(CLN6):c.768C>G (p.Asp256Glu)

Gene: CLN6 (CLN6 transmembrane ER protein; minus strand). Cytogenetic location: 15q23.
Variant type: single nucleotide variant.
Coding change: c.768C>G on transcript NM_017882.3 (MANE Select); coding-DNA position 768, C replaced by G.
Protein change: p.Asp256Glu; replaces aspartic acid 256 with glutamic acid.
Molecular consequence: missense variant.
Genome position (GRCh38, 1-based): chr15:68,208,308, G>C on the plus strand (C>G on the coding strand, the complement: CLN6 is on the minus strand). VCF-style: chr15-68208308-G-C. GRCh37 (hg19) VCF-style: chr15-68500646-G-C.
Other names: short protein forms D256E.
Identifiers: ClinVar variation 1072427 (VCV001072427.14), dbSNP rs760271120, ClinGen allele CA7630475.